The following is an entry in ClinVar:

ClinVar aggregate classification (germline): Uncertain significance. Review status: criteria provided, multiple submitters, no conflicts (2 of 4 stars). 2 submissions from 2 submitters: Uncertain significance (2). Last evaluated 2025-01-03.

Conditions:
Inborn genetic diseases. Identifiers: MedGen C0950123, MeSH D030342.

Allele frequency attached by ClinVar (database versions not stated): gnomAD exomes below 0.00001.

Submissions (2):

Ambry Genetics
Classification: Uncertain significance for Inborn genetic diseases. Last evaluated: 2025-01-03. Review status: criteria provided, single submitter. Criteria: Ambry Variant Classification Scheme 2023. Collection method: clinical testing. Allele origin: germline.

CeGaT Center for Human Genetics Tuebingen
Classification: Uncertain significance. Last evaluated: 2024-01-01. Review status: criteria provided, single submitter. Criteria: CeGaT Center For Human Genetics Tuebingen Variant Classification Criteria Version 2. Collection method: clinical testing. Allele origin: germline. Affected: yes. Observed: 1 variant allele.
Comment: SETD1A: PM2

NM_014712.3(SETD1A):c.4127C>T (p.Ser1376Phe)

Gene: SETD1A (SET domain containing 1A, histone lysine methyltransferase; plus strand). Cytogenetic location: 16p11.2.
Variant type: single nucleotide variant.
Coding change: c.4127C>T on transcript NM_014712.3 (MANE Select); coding-DNA position 4127, C replaced by T.
Protein change: p.Ser1376Phe; replaces serine 1376 with phenylalanine.
Molecular consequence: missense variant.
Genome position (GRCh38, 1-based): chr16:30,979,913, C>T. VCF-style: chr16-30979913-C-T. GRCh37 (hg19) VCF-style: chr16-30991234-C-T.
Other names: c.4127C>T (NM_014712.1); short protein forms S1376F.
Identifiers: ClinVar variation 3026770 (VCV003026770.23), dbSNP rs2056345287, ClinGen allele CA395630150.